The following is an entry in ClinVar:

ClinVar aggregate classification (germline): Uncertain significance. Review status: criteria provided, multiple submitters, no conflicts (2 of 4 stars). 4 submissions from 4 submitters: Uncertain significance (4). Last evaluated 2025-08-19.

Conditions:
IMPG2-related disorder. Also called: IMPG2-related condition.
Inborn genetic diseases. Identifiers: MedGen C0950123, MeSH D030342.

Allele frequency attached by ClinVar (database versions not stated): TOPMed 0.00002; gnomAD exomes 0.00004 and 0.00001; gnomAD 0.00005; ExAC 0.00002.
gnomAD v4.1: 24 of 1,614,018 alleles (0.0015%); highest among the groups gnomAD compares: Admixed American, 0.02%; no homozygotes.

Submissions (4):

Ambry Genetics
Classification: Uncertain significance for Inborn genetic diseases. Last evaluated: 2025-08-19. Review status: criteria provided, single submitter. Criteria: Ambry Variant Classification Scheme 2023. Collection method: clinical testing. Allele origin: germline.

PreventionGenetics, part of Exact Sciences
Classification: Uncertain significance for IMPG2-related condition. Last evaluated: 2025-07-11. Review status: criteria provided, single submitter. Criteria: ACMG Guidelines, 2015. Collection method: clinical testing. Allele origin: germline.
Comment: The IMPG2 c.3304A>G variant is predicted to result in the amino acid substitution p.Ile1102Val. To our knowledge, this variant has not been reported in the literature. This variant is present in 0.025% of alleles in individuals of Latino descent in gnomAD. At this time, the clinical significance of this variant is uncertain due to the absence of conclusive functional and genetic evidence.

Blueprint Genetics
Classification: Uncertain significance. Last evaluated: 2022-11-17. Review status: criteria provided, single submitter. Criteria: ACMG Guidelines, 2015. Collection method: clinical testing. Allele origin: germline.

Labcorp Genetics (formerly Invitae), Labcorp
Classification: Uncertain significance. Last evaluated: 2022-10-25. Review status: criteria provided, single submitter. Criteria: Invitae Variant Classification Sherloc (09022015). Collection method: clinical testing. Allele origin: germline.
Comment: This sequence change replaces isoleucine, which is neutral and non-polar, with valine, which is neutral and non-polar, at codon 1102 of the IMPG2 protein (p.Ile1102Val). This variant is present in population databases (rs759763352, gnomAD 0.03%). This variant has not been reported in the literature in individuals affected with IMPG2-related conditions. ClinVar contains an entry for this variant (Variation ID: 958209). Advanced modeling of protein sequence and biophysical properties (such as structural, functional, and spatial information, amino acid conservation, physicochemical variation, residue mobility, and thermodynamic stability) performed at Invitae indicates that this missense variant is not expected to disrupt IMPG2 protein function. In summary, the available evidence is currently insufficient to determine the role of this variant in disease. Therefore, it has been classified as a Variant of Uncertain Significance.

NM_016247.4(IMPG2):c.3304A>G (p.Ile1102Val)

Gene: IMPG2 (interphotoreceptor matrix proteoglycan 2; minus strand). Cytogenetic location: 3q12.3.
Variant type: single nucleotide variant.
Coding change: c.3304A>G on transcript NM_016247.4 (MANE Select); coding-DNA position 3304, A replaced by G.
Protein change: p.Ile1102Val; replaces isoleucine 1102 with valine.
Molecular consequence: missense variant.
Genome position (GRCh38, 1-based): chr3:101,231,075, T>C on the plus strand (A>G on the coding strand, the complement: IMPG2 is on the minus strand). VCF-style: chr3-101231075-T-C. GRCh37 (hg19) VCF-style: chr3-100949919-T-C.
Other names: short protein forms I1102V.
Identifiers: ClinVar variation 958209 (VCV000958209.10), dbSNP rs759763352, ClinGen allele CA2518786.